The following is an entry in ClinVar:

NM_001048205.2(REC8):c.1020G>T (p.Arg340Ser)

Gene: REC8 (REC8 meiotic recombination protein; plus strand). Cytogenetic location: 14q12.
Variant type: single nucleotide variant.
Coding change: c.1020G>T on transcript NM_001048205.2 (MANE Select); coding-DNA position 1020, G replaced by T.
Protein change: p.Arg340Ser; replaces arginine 340 with serine.
Molecular consequence: missense variant.
Genome position (GRCh38, 1-based): chr14:24,178,629, G>T. VCF-style: chr14-24178629-G-T. GRCh37 (hg19) VCF-style: chr14-24647835-G-T.
Other names: c.1020G>T, p.Arg340Ser (NM_005132.3); short protein forms R340S.
Identifiers: ClinVar variation 5020803 (VCV005020803.1).

ClinVar aggregate classification (germline): Uncertain significance (1 of 4 stars; one submission).

Submission:

Dasa
Classification: Uncertain significance. Last evaluated: 2025-11-10. Review status: criteria provided, single submitter. Criteria: DASA Assertion Criteria. Collection method: clinical testing. Allele origin: germline.
Comment: NM_001048205.2(REC8):c.1020G>T (p.Arg340Ser) is a missense variant that results in the substitution of arginine with serine. This variant is rare in population databases. Computational prediction algorithms are consistent with a benign effect. The currently available literature and clinical evidence are not sufficient to establish a definitive association between this variant and the reported condition. Therefore, this variant is classified as a variant of uncertain significance.